The following is an entry in ClinVar:

ClinVar aggregate classification (germline): Pathogenic (1 of 4 stars; one submission).

Conditions:
Hereditary cancer-predisposing syndrome. Also called: Hereditary neoplastic syndrome; Hereditary Cancer Syndrome; Neoplastic Syndromes, Hereditary; Tumor predisposition. Identifiers: Orphanet 140162, MedGen C0027672, MeSH D009386, MONDO:0015356.

Submission:

Ambry Genetics
Classification: Pathogenic for Hereditary cancer-predisposing syndrome. Last evaluated: 2023-03-23. Review status: criteria provided, single submitter. Criteria: Ambry Variant Classification Scheme 2023. Collection method: clinical testing. Allele origin: germline.
Comment: The c.452_453delCT pathogenic mutation, located in coding exon 4 of the ATM gene, results from a deletion of two nucleotides at nucleotide positions 452 to 453, causing a translational frameshift with a predicted alternate stop codon (p.S151Cfs*7). This variant is considered to be rare based on population cohorts in the Genome Aggregation Database (gnomAD). This alteration is expected to result in loss of function by premature protein truncation or nonsense-mediated mRNA decay. As such, this alteration is interpreted as a disease-causing mutation.

NM_000051.4(ATM):c.452_453del (p.Ser151fs)

Gene: ATM (ATM serine/threonine kinase; plus strand). Cytogenetic location: 11q22.3.
Variant type: Deletion.
Coding change: c.452_453del on transcript NM_000051.4 (MANE Select); coding-DNA positions 452 to 453, 2 bases deleted (CT; older notation c.452_453delCT).
Protein change: p.Ser151fs; shifts the reading frame from serine 151.
Molecular consequence: frameshift variant.
Genome position (GRCh38, 1-based): chr11:108,235,790-108,235,791, CT deleted; deleting any 2 consecutive bases within chr11:108,235,789-108,235,791 gives the same sequence; the c. name uses the placement nearest the transcript's 3' end. VCF-style (leftmost placement, unchanged base first): chr11-108235788-TTC-T. GRCh37 (hg19) VCF-style: chr11-108106515-TTC-T.
Other names: c.452_453del, p.Ser151fs (NM_001351834.2); short protein forms S151fs.
Identifiers: ClinVar variation 2568150 (VCV002568150.2), dbSNP rs2497020849, ClinGen allele CA2580616424.